The following is an entry in ClinVar:

ClinVar aggregate classification (germline): Uncertain significance. Review status: criteria provided, multiple submitters, no conflicts (2 of 4 stars). 2 submissions from 2 submitters: Uncertain significance (2). Last evaluated 2024-07-01.

Conditions:
Neuropathy, hereditary sensory and autonomic, type 2A (HSAN2A). Also called: MORVAN DISEASE; NEUROPATHY, CONGENITAL SENSORY; NEUROPATHY, HEREDITARY SENSORY RADICULAR, AUTOSOMAL RECESSIVE; NEUROPATHY, HEREDITARY SENSORY, TYPE IIA; NEUROPATHY, PROGRESSIVE SENSORY, OF CHILDREN; WNK1-Related HSAN2 (HSAN2A). Identifiers: Orphanet 970, MedGen C2752089, MONDO:0024309, OMIM 201300.
Generalized epilepsy with febrile seizures plus, type 7 (GEFSP7). Also called: GEFS+, TYPE 7. Identifiers: Orphanet 36387, MedGen C2751778, MONDO:0013470, OMIM 613863.

Allele frequency attached by ClinVar (database versions not stated): gnomAD exomes below 0.00001 and 0.00004; ExAC 0.00001; TOPMed 0.00001.

Submissions (2):

CeGaT Center for Human Genetics Tuebingen
Classification: Uncertain significance. Last evaluated: 2024-07-01. Review status: criteria provided, single submitter. Criteria: CeGaT Center For Human Genetics Tuebingen Variant Classification Criteria Version 2. Collection method: clinical testing. Allele origin: germline. Affected: yes. Observed: 1 variant allele.
Comment: SCN9A: PM2, PP3

Labcorp Genetics (formerly Invitae), Labcorp
Classification: Uncertain significance for Neuropathy, hereditary sensory and autonomic, type 2A; Generalized epilepsy with febrile seizures plus, type 7. Last evaluated: 2023-05-19. Review status: criteria provided, single submitter. Criteria: Invitae Variant Classification Sherloc (09022015). Collection method: clinical testing. Allele origin: germline.
Comment: In summary, the available evidence is currently insufficient to determine the role of this variant in disease. Therefore, it has been classified as a Variant of Uncertain Significance. Advanced modeling of protein sequence and biophysical properties (such as structural, functional, and spatial information, amino acid conservation, physicochemical variation, residue mobility, and thermodynamic stability) performed at Invitae indicates that this missense variant is not expected to disrupt SCN9A protein function. ClinVar contains an entry for this variant (Variation ID: 538458). This variant has not been reported in the literature in individuals affected with SCN9A-related conditions. This variant is present in population databases (rs201750475, gnomAD 0.0009%). This sequence change replaces glutamine, which is neutral and polar, with glutamic acid, which is acidic and polar, at codon 1483 of the SCN9A protein (p.Gln1483Glu).

NM_001365536.1(SCN9A):c.4480C>G (p.Gln1494Glu)

Genes: SCN1A-AS1 (SCN1A and SCN9A antisense RNA 1; plus strand), SCN9A (sodium voltage-gated channel alpha subunit 9; minus strand). Cytogenetic location: 2q24.3.
Variant type: single nucleotide variant.
Coding change: c.4480C>G on transcript NM_001365536.1 (MANE Select); coding-DNA position 4480, C replaced by G.
Protein change: p.Gln1494Glu; replaces glutamine 1494 with glutamic acid.
Molecular consequence: missense variant.
Genome position (GRCh38, 1-based): chr2:166,204,383, G>C on the plus strand (C>G on the coding strand, the complement: SCN9A is on the minus strand). VCF-style: chr2-166204383-G-C. GRCh37 (hg19) VCF-style: chr2-167060893-G-C.
Other names: c.4447C>G, p.Gln1483Glu (NM_002977.4); short protein forms Q1483E, Q1494E.
Identifiers: ClinVar variation 538458 (VCV000538458.26), dbSNP rs201750475, ClinGen allele CA1943859.
Genomic context (GRCh38, chr2:166,204,383, plus strand): 5'-GAAAATCTATATGCTAAAGATATATATATTTTTTTACCCCTGGTCGAGGAATTGGCTTTT[G>C]TGGCTTCTTGGACCCCAGCTTTTTCATTGCATTATAGTATTTCTTCTGTTCTTCTGTCAT-3'
Protein context (NP_001352465.1, residues 1484-1504): AMKKLGSKKP[Gln1494Glu]KPIPRPGNKI